The following is an entry in ClinVar:

NM_014795.4(ZEB2):c.278_281dup (p.Glu94fs)

Gene: ZEB2 (zinc finger E-box binding homeobox 2; minus strand). Cytogenetic location: 2q22.3.
Variant type: Duplication.
Coding change: c.278_281dup on transcript NM_014795.4 (MANE Select); coding-DNA positions 278 to 281, 4 bases duplicated (TGGA; older notation c.278_281dupTGGA).
Protein change: p.Glu94fs; shifts the reading frame from glutamic acid 94.
Molecular consequence: frameshift variant.
Genome position (GRCh38, 1-based): chr2:144,429,819-144,429,822, TCCA duplicated on the plus strand (TGGA on the coding strand, the reverse complement: ZEB2 is on the minus strand). VCF-style (leftmost placement, unchanged base first): chr2-144429818-T-TTCCA. GRCh37 (hg19) VCF-style: chr2-145187385-T-TTCCA.
Other names: c.278_281dup, p.Glu94fs (NM_001171653.2); short protein forms E94fs.
Identifiers: ClinVar variation 4731745 (VCV004731745.1).

ClinVar aggregate classification (germline): Pathogenic (1 of 4 stars; one submission).

Conditions:
Mowat-Wilson syndrome (MOWS). Also called: Classic Mowat-Wilson Syndrome. Identifiers: Orphanet 2152, MedGen C1856113, MONDO:0009341, OMIM 235730.

Submission:

Labcorp Genetics (formerly Invitae), Labcorp
Classification: Pathogenic for Mowat-Wilson syndrome. Last evaluated: 2025-11-23. Review status: criteria provided, single submitter. Criteria: Invitae Variant Classification Sherloc (09022015). Collection method: clinical testing. Allele origin: germline.
Comment: This sequence change creates a premature translational stop signal (p.Glu94Aspfs*26) in the ZEB2 gene. It is expected to result in an absent or disrupted protein product. Loss-of-function variants in ZEB2 are known to be pathogenic (PMID: 16053902). This variant is not present in population databases (gnomAD no frequency). This variant has not been reported in the literature in individuals affected with ZEB2-related conditions. For these reasons, this variant has been classified as Pathogenic.

Literature cited by the submitters: PubMed 16053902.